The following is an entry in ClinVar:

NM_001267550.2(TTN):c.52601T>A (p.Leu17534Ter)

Genes: TTN-AS1 (TTN antisense RNA 1; plus strand), TTN (titin; minus strand), LOC126806425 (BRD4-independent group 4 enhancer GRCh37_chr2:179471933-179473132; plus strand). Cytogenetic location: 2q31.2.
Variant type: single nucleotide variant.
Coding change: c.52601T>A on transcript NM_001267550.2 (MANE Select); coding-DNA position 52601, T replaced by A.
Protein change: p.Leu17534Ter; replaces leucine 17534 with a stop codon.
Molecular consequence: nonsense.
Genome position (GRCh38, 1-based): chr2:178,608,282, A>T on the plus strand (T>A on the coding strand, the complement: TTN is on the minus strand). VCF-style: chr2-178608282-A-T. GRCh37 (hg19) VCF-style: chr2-179473009-A-T.
Other names: c.47678T>A, p.Leu15893Ter (NM_001256850.1); c.25406T>A, p.Leu8469Ter (NM_003319.4); c.44897T>A, p.Leu14966Ter (NM_133378.4); c.25781T>A, p.Leu8594Ter (NM_133432.3); c.25982T>A, p.Leu8661Ter (NM_133437.4); short protein forms L15893*, L17534*, L14966*, L8594*, L8661*, L8469*.
Identifiers: ClinVar variation 626678 (VCV000626678.6), dbSNP rs1559746821, ClinGen allele CA349572617.

ClinVar aggregate classification (germline): Likely pathogenic. Review status: criteria provided, multiple submitters, no conflicts (2 of 4 stars). 3 submissions from 3 submitters: Likely pathogenic (3). Last evaluated 2024-09-06.

Conditions:
Autosomal recessive limb-girdle muscular dystrophy type 2J (LGMDR10). Also called: Limb-girdle muscular dystrophy, type 2J; MUSCULAR DYSTROPHY, LIMB-GIRDLE, AUTOSOMAL RECESSIVE 10. Identifiers: Orphanet 140922, MedGen C1837342, MONDO:0012127, OMIM 608807.
Dilated cardiomyopathy 1G (CMD1G). Identifiers: Orphanet 154, MedGen C1858763, MONDO:0011400, OMIM 604145.
Cardiovascular phenotype. Identifiers: MedGen CN230736.
Cardiomyopathy (CMYO). Also called: Cardiomyopathies. Identifiers: Orphanet 167848, MedGen C0878544, MONDO:0004994, HP:0001638. Inheritance: Various modes of inheritance.

Allele frequency attached by ClinVar (database versions not stated): gnomAD exomes below 0.00001.
gnomAD v4.1: 1 of 1,612,082 alleles (0.000062%); highest among the groups gnomAD compares: African/African-American, 0.0013%; no homozygotes.

Submissions (3):

Labcorp Genetics (formerly Invitae), Labcorp
Classification: Likely pathogenic for Dilated cardiomyopathy 1G; Autosomal recessive limb-girdle muscular dystrophy type 2J. Last evaluated: 2024-09-06. Review status: criteria provided, single submitter. Criteria: Invitae Variant Classification Sherloc (09022015). Collection method: clinical testing. Allele origin: germline.
Comment: This sequence change creates a premature translational stop signal (p.Leu17534*) in the TTN gene. While this is not anticipated to result in nonsense mediated decay, it is expected to create a truncated TTN protein. This variant is not present in population databases (gnomAD no frequency). This premature translational stop signal has been observed in individual(s) with TTN-related conditions (PMID: 36495114). ClinVar contains an entry for this variant (Variation ID: 626678). This variant is located in the A band of TTN (PMID: 25589632). Truncating variants in this region are significantly overrepresented in patients affected with dilated cardiomyopathy (PMID: 25589632). Truncating variants in this region have also been reported in individuals affected with autosomal recessive centronuclear myopathy (PMID: 23975875). In summary, the currently available evidence indicates that the variant is pathogenic, but additional data are needed to prove that conclusively. Therefore, this variant has been classified as Likely Pathogenic.

Ambry Genetics
Classification: Likely pathogenic for Cardiovascular phenotype. Last evaluated: 2020-12-18. Review status: criteria provided, single submitter. Criteria: Ambry Variant Classification Scheme 2023. Collection method: clinical testing. Allele origin: germline.
Comment: The p.L8469* variant (also known as c.25406T>A), located in coding exon 102 of the TTN gene, results from a T to A substitution at nucleotide position 25406. This changes the amino acid from a leucine to a stop codon within coding exon 102. This exon is located in the A-band region of the N2-B isoform of the titin protein and is constitutively expressed in TTN transcripts (percent spliced in or PSI 100%). This variant (referred to as c.52601T>A, p.L17534*) was detected in a cohort referred for cardiomyopathy genetic testing; however, details were limited (Nfonsam L et al. J. Med. Genet., 2019 06;56:408-412). This alteration is expected to result in loss of function by premature protein truncation or nonsense-mediated mRNA decay. While truncating variants in TTN are present in 1-3% of the general population, truncating variants in the A-band are the most common cause of dilated cardiomyopathy (DCM) (Herman DS et al. N. Engl. J. Med., 2012 Feb;366:619-28; Roberts AM et al. Sci Transl Med, 2015 Jan;7:270ra6). TTN truncating variants encoded in constitutive exons (PSI >90%) have been found to be significantly associated with DCM regardless of their position in titin (Schafer S et al. Nat. Genet., 2017 01;49:46-53). As such, this alteration is classified as likely pathogenic.

CHEO Genetics Diagnostic Laboratory, Children's Hospital of Eastern Ontario
Classification: Likely pathogenic for Cardiomyopathy. Last evaluated: 2016-12-02. Review status: criteria provided, single submitter. Criteria: ACMG Guidelines, 2015. Collection method: clinical testing. Allele origin: germline. Study: Canadian Open Genetics Repository.

Literature cited by the submitters: PubMed 36495114 (cited by Labcorp Genetics (formerly Invitae), Labcorp); PubMed 25589632 (cited by Labcorp Genetics (formerly Invitae), Labcorp); PubMed 23975875 (cited by Labcorp Genetics (formerly Invitae), Labcorp); PubMed 30242101 (cited by Ambry Genetics).